The following is an entry in ClinVar:

ClinVar aggregate classification (germline): Uncertain significance (1 of 4 stars; one submission).

gnomAD v4.1: 1 of 1,613,848 alleles (0.000062%); highest among the groups gnomAD compares: Non-Finnish European, 0.000085%; no homozygotes.

Submission:

Labcorp Genetics (formerly Invitae), Labcorp
Classification: Uncertain significance. Last evaluated: 2024-06-19. Review status: criteria provided, single submitter. Criteria: Invitae Variant Classification Sherloc (09022015). Collection method: clinical testing. Allele origin: germline.
Comment: This sequence change replaces threonine, which is neutral and polar, with isoleucine, which is neutral and non-polar, at codon 409 of the RAI1 protein (p.Thr409Ile). This variant is not present in population databases (gnomAD no frequency). This variant has not been reported in the literature in individuals affected with RAI1-related conditions. Advanced modeling of protein sequence and biophysical properties (such as structural, functional, and spatial information, amino acid conservation, physicochemical variation, residue mobility, and thermodynamic stability) performed at Invitae indicates that this missense variant is not expected to disrupt RAI1 protein function with a negative predictive value of 80%. In summary, the available evidence is currently insufficient to determine the role of this variant in disease. Therefore, it has been classified as a Variant of Uncertain Significance.

NM_030665.4(RAI1):c.1226C>T (p.Thr409Ile)

Gene: RAI1 (retinoic acid induced 1; plus strand). Cytogenetic location: 17p11.2.
Variant type: single nucleotide variant.
Coding change: c.1226C>T on transcript NM_030665.4 (MANE Select); coding-DNA position 1226, C replaced by T.
Protein change: p.Thr409Ile; replaces threonine 409 with isoleucine.
Molecular consequence: missense variant.
Genome position (GRCh38, 1-based): chr17:17,794,174, C>T. VCF-style: chr17-17794174-C-T. GRCh37 (hg19) VCF-style: chr17-17697488-C-T.
Other names: short protein forms T409I.
Identifiers: ClinVar variation 3656990 (VCV003656990.2).